The following is an entry in ClinVar:

ClinVar aggregate classification (germline): Uncertain significance. Review status: criteria provided, multiple submitters, no conflicts (2 of 4 stars). 3 submissions from 3 submitters: Uncertain significance (3). Last evaluated 2026-08-12.

Conditions:
Ullrich congenital muscular dystrophy 1A. Also called: Ullrich congenital muscular dystrophy 1; Intermediate COL6-RD. Identifiers: Orphanet 75840, MedGen C0410179, MONDO:0009681, OMIM 254090.
Bethlem myopathy 1A. Also called: MYOPATHY, BENIGN CONGENITAL, WITH CONTRACTURES; Bethlem myopathy 1; Bethlem Muscular Dystrophy. Identifiers: Orphanet 610, MedGen CN029274, MONDO:0024530, OMIM 158810.

Submissions (3):

Broad Center for Mendelian Genomics, Broad Institute of MIT and Harvard
Classification: Uncertain significance for Ullrich congenital muscular dystrophy 1A. Last evaluated: 2026-08-12. Review status: criteria provided, single submitter. Criteria: ACMG Guidelines, 2015. Collection method: research. Allele origin: germline. Inheritance: Autosomal dominant inheritance. Study: GREGoR Consortium.
Comment: The p.Ala706Pro variant in COL6A2 has not been previously reported in individuals with muscular dystrophy. This variant has also been reported in ClinVar (Variation ID: 195953) and has been interpreted as a variant of uncertain significance by Invitae and Eurofins NTD LLC (GA). This variant was absent from large population studies. Computational prediction tools and conservation analyses suggest that this variant may impact the protein, though this information is not predictive enough to determine pathogenicity. In summary, the clinical significance of the p.Ala706Pro variant is uncertain. ACMG/AMP Criteria applied: PM2_Supporting, PP3_moderate (Richards 2015).

Labcorp Genetics (formerly Invitae), Labcorp
Classification: Uncertain significance for Bethlem myopathy 1A. Last evaluated: 2022-02-13. Review status: criteria provided, single submitter. Criteria: Invitae Variant Classification Sherloc (09022015). Collection method: clinical testing. Allele origin: germline.
Comment: In summary, the available evidence is currently insufficient to determine the role of this variant in disease. Therefore, it has been classified as a Variant of Uncertain Significance. Advanced modeling of protein sequence and biophysical properties (such as structural, functional, and spatial information, amino acid conservation, physicochemical variation, residue mobility, and thermodynamic stability) performed at Invitae indicates that this missense variant is expected to disrupt COL6A2 protein function. ClinVar contains an entry for this variant (Variation ID: 195953). This variant has not been reported in the literature in individuals affected with COL6A2-related conditions. This variant is not present in population databases (gnomAD no frequency). This sequence change replaces alanine, which is neutral and non-polar, with proline, which is neutral and non-polar, at codon 706 of the COL6A2 protein (p.Ala706Pro).

Eurofins Ntd Llc (ga)
Classification: Uncertain significance. Last evaluated: 2015-04-12. Review status: criteria provided, single submitter. Criteria: EGL Classification Definitions 2015. Collection method: clinical testing. Allele origin: germline. Observed: 1 variant allele, 1 heterozygote.

NM_001849.4(COL6A2):c.2116G>C (p.Ala706Pro)

Gene: COL6A2 (collagen type VI alpha 2 chain; plus strand). Cytogenetic location: 21q22.3.
Variant type: single nucleotide variant.
Coding change: c.2116G>C on transcript NM_001849.4 (MANE Select); coding-DNA position 2116, G replaced by C.
Protein change: p.Ala706Pro; replaces alanine 706 with proline.
Molecular consequence: missense variant.
Genome position (GRCh38, 1-based): chr21:46,125,931, G>C. VCF-style: chr21-46125931-G-C. GRCh37 (hg19) VCF-style: chr21-47545845-G-C.
Other names: NM_001849.4(COL6A2):c.2116G>C; p.Ala706Pro; c.2116G>C, p.Ala706Pro (NM_058174.3, NM_058175.3); short protein forms A706P.
Identifiers: ClinVar variation 195953 (VCV000195953.10), dbSNP rs794727417, ClinGen allele CA242675.
Genomic context (GRCh38, chr21:46,125,931, plus strand): 5'-AGCTTCAAGGAGGCTGTCAAGAACCTCGAGTGGATTGCGGGCGGCACCTGGACACCCTCA[G>C]CCCTCAAGTTTGCCTACGACCGCCTCATCAAGGAGAGCCGGCGCCAGAAGACACGTGTGT-3'
Protein context (NP_001840.3, residues 696-716): WIAGGTWTPS[Ala706Pro]LKFAYDRLIK